The following is an entry in ClinVar:

NM_001367721.1(CASK):c.1592A>C (p.His531Pro)

Gene: CASK (calcium/calmodulin dependent serine protein kinase; minus strand). Cytogenetic location: Xp11.4.
Variant type: single nucleotide variant.
Coding change: c.1592A>C on transcript NM_001367721.1 (MANE Select); coding-DNA position 1592, A replaced by C.
Protein change: p.His531Pro; replaces histidine 531 with proline.
Molecular consequence: missense variant.
Genome position (GRCh38, 1-based): chrX:41,561,635, T>G on the plus strand (A>C on the coding strand, the complement: CASK is on the minus strand). VCF-style: chrX-41561635-T-G. GRCh37 (hg19) VCF-style: chrX-41420888-T-G.
Other names: c.1592A>C, p.His531Pro (NM_001126054.3, NM_003688.4); c.1574A>C, p.His525Pro (NM_001126055.3, NM_001410745.1); short protein forms H531P, H525P.
Identifiers: ClinVar variation 470207 (VCV000470207.9), dbSNP rs1555981722, ClinGen allele CA412995056.

ClinVar aggregate classification (germline): Likely pathogenic (1 of 4 stars; one submission).

Conditions:
Intellectual disability, CASK-related, X-linked. Identifiers: MedGen CN043158.

Submission:

Labcorp Genetics (formerly Invitae), Labcorp
Classification: Likely pathogenic for Intellectual disability, CASK-related, X-linked. Last evaluated: 2023-03-20. Review status: criteria provided, single submitter. Criteria: Invitae Variant Classification Sherloc (09022015). Collection method: clinical testing. Allele origin: germline.
Comment: This sequence change replaces histidine, which is basic and polar, with proline, which is neutral and non-polar, at codon 531 of the CASK protein (p.His531Pro). In summary, the currently available evidence indicates that the variant is pathogenic, but additional data are needed to prove that conclusively. Therefore, this variant has been classified as Likely Pathogenic. Advanced modeling of protein sequence and biophysical properties (such as structural, functional, and spatial information, amino acid conservation, physicochemical variation, residue mobility, and thermodynamic stability) has been performed at Invitae for this missense variant, however the output from this modeling did not meet the statistical confidence thresholds required to predict the impact of this variant on CASK protein function. ClinVar contains an entry for this variant (Variation ID: 470207). This missense change has been observed in individual(s) with clinical features of CASK-related conditions (Invitae). In at least one individual the variant was observed to be de novo. This variant is not present in population databases (gnomAD no frequency).